The following is an entry in ClinVar:

NM_001927.4(DES):c.897+16C>T

Gene: DES (desmin; plus strand). Cytogenetic location: 2q35.
Variant type: single nucleotide variant.
Coding change: c.897+16C>T on transcript NM_001927.4 (MANE Select); 16 bases into the intron after coding-DNA position 897, C replaced by T.
Molecular consequence: intron variant.
Genome position (GRCh38, 1-based): chr2:219,420,672, C>T. VCF-style: chr2-219420672-C-T. GRCh37 (hg19) VCF-style: chr2-220285394-C-T.
Other names: c.897+16C>T (LRG_380t1).
Identifiers: ClinVar variation 137076 (VCV000137076.11), dbSNP rs370385097, ClinGen allele CA290579.

ClinVar aggregate classification (germline): Benign/Likely benign. Review status: criteria provided, multiple submitters, no conflicts (2 of 4 stars). 4 submissions from 4 submitters: Benign (2); Likely benign (2). Last evaluated 2026-01-19.

Conditions:
Desmin-related myofibrillar myopathy (MFM1). Also called: MYOFIBRILLAR MYOPATHY WITH ARRHYTHMOGENIC RIGHT VENTRICULAR CARDIOMYOPATHY; DESMIN-RELATED MYOPATHY WITH ARRHYTHMOGENIC RIGHT VENTRICULAR CARDIOMYOPATHY; Desmin related myopathy (former name); Desmin storage myopathy (former name); Desminopathy; Myofibrillar myopathy 1. Identifiers: Orphanet 363543, Orphanet 98909, MedGen C1832370, MONDO:0011076, OMIM 601419.

Allele frequency attached by ClinVar (database versions not stated): gnomAD 0.00011; gnomAD exomes 0.00012; ExAC 0.00013; TOPMed 0.00013; ESP Exome Variant Server 0.00046.
gnomAD v4.1: 272 of 1,613,824 alleles (0.017%); highest among the groups gnomAD compares: Non-Finnish European, 0.022%; no homozygotes.

Submissions (4):

Labcorp Genetics (formerly Invitae), Labcorp
Classification: Likely benign for Desmin-related myofibrillar myopathy. Last evaluated: 2026-01-19. Review status: criteria provided, single submitter. Criteria: Invitae Variant Classification Sherloc (09022015). Collection method: clinical testing. Allele origin: germline.

Blueprint Genetics
Classification: Likely benign. Last evaluated: 2024-04-05. Review status: criteria provided, single submitter. Criteria: ACMG Guidelines, 2015. Collection method: clinical testing. Allele origin: germline.

Women's Health and Genetics/Laboratory Corporation of America, LabCorp
Classification: Benign. Last evaluated: 2020-10-08. Review status: criteria provided, single submitter. Criteria: LabCorp Variant Classification Summary - May 2015. Collection method: clinical testing. Allele origin: germline.
Comment: Variant summary: DES c.897+16C>T alters a non-conserved nucleotide located close to a canonical splice site and therefore could affect mRNA splicing, leading to a significantly altered protein sequence. 4/4 computational tools predict no significant impact on normal splicing. However, these predictions have yet to be confirmed by functional studies. The variant allele was found at a frequency of 0.00012 in 250968 control chromosomes, predominantly at a frequency of 0.00025 within the Non-Finnish European subpopulation in the gnomAD database. The observed variant frequency within Non-Finnish European control individuals in the gnomAD database is approximately 8 fold of the estimated maximal expected allele frequency for a pathogenic variant in DES causing Dilated Cardiomyopathy phenotype (3.1e-05), strongly suggesting that the variant is a benign polymorphism found primarily in populations of Non-Finnish European origin. To our knowledge, no occurrence of c.897+16C>T in individuals affected with Dilated Cardiomyopathy and no experimental evidence demonstrating its impact on protein function have been reported. No clinical diagnostic laboratories have submitted clinical-significance assessments for this variant to ClinVar after 2014. Based on the evidence outlined above, the variant was classified as benign.

GeneDx
Classification: Benign. Last evaluated: 2013-09-26. Review status: criteria provided, single submitter. Criteria: GeneDx Variant Classification (06012015). Collection method: clinical testing. Allele origin: germline. Affected: yes.
Comment: This variant is considered likely benign or benign based on one or more of the following criteria: it is a conservative change, it occurs at a poorly conserved position in the protein, it is predicted to be benign by multiple in silico algorithms, and/or has population frequency not consistent with disease.